The following is an entry in ClinVar:

NM_001005241.4(OR4N4):c.12A>G (p.Ala4=)

Genes: OR4M2-OT1 (OR4M2 overlapping transcript 1; plus strand), OR4N4 (olfactory receptor family 4 subfamily N member 4; plus strand), LOC126088093 (BRD4-independent group 4 enhancer GRCh37_chr15:22382101-22383300; plus strand). Cytogenetic location: 15q11.2.
Variant type: single nucleotide variant.
Coding change: c.12A>G on transcript NM_001005241.4 (MANE Select); coding-DNA position 12, A replaced by G.
Protein change: p.Ala4=; no amino-acid change (alanine 4 retained).
Molecular consequence: synonymous variant.
Genome position (GRCh38, 1-based): chr15:22,094,533, A>G. VCF-style: chr15-22094533-A-G. GRCh37 (hg19) VCF-style: chr15-22382484-A-G.
Identifiers: ClinVar variation 2644939 (VCV002644939.24), dbSNP rs2503896187, ClinGen allele CA2627218177.
Genomic context (GRCh38, chr15:22,094,533, plus strand): 5'-GTAACACCTGAAAATAAACTCTTTTATTGATATTCTACAGGCAGAAGAAATGAAGATAGC[A>G]AACAACACAGTAGTGACAGAATTTATCCTCCTTGGTCTGACTCAGTCTCAAGATATTCAG-3'
Protein context (NP_001005241.2, residues 1-14): MKI[Ala4=]NNTVVTEFIL

ClinVar aggregate classification (germline): Likely benign (1 of 4 stars; one submission).

Submission:

CeGaT Center for Human Genetics Tuebingen
Classification: Likely benign. Last evaluated: 2023-03-01. Review status: criteria provided, single submitter. Criteria: CeGaT Center For Human Genetics Tuebingen Variant Classification Criteria Version 2. Collection method: clinical testing. Allele origin: germline. Affected: yes. Observed: 1 variant allele.
Comment: OR4N4: BP4, BP7